The following is an entry in ClinVar:

ClinVar aggregate classification (germline): Uncertain significance (1 of 4 stars; one submission).

Conditions:
Hereditary cancer-predisposing syndrome. Also called: Hereditary Cancer Syndrome; Hereditary neoplastic syndrome; Neoplastic Syndromes, Hereditary; Tumor predisposition. Identifiers: Orphanet 140162, MedGen C0027672, MeSH D009386, MONDO:0015356.

Submission:

Ambry Genetics
Classification: Uncertain significance for Hereditary cancer-predisposing syndrome. Last evaluated: 2026-06-16. Review status: criteria provided, single submitter. Criteria: Ambry Variant Classification Scheme 2023. Collection method: clinical testing. Allele origin: germline.
Comment: The c.1737A>G variant (also known as p.L579L), located in coding exon 9 of the BRCA2 gene, results from an A to G substitution at nucleotide position 1737. This nucleotide substitution does not change the amino acid at codon 579. This nucleotide position is not well conserved in available vertebrate species. In silico splice site analysis predicts that this alteration may result in the creation or strengthening of a novel splice donor site; however, direct evidence is insufficient at this time (Ambry internal data). Based on the available evidence, the clinical significance of this variant remains unclear.

NM_000059.4(BRCA2):c.1737A>G (p.Leu579=)

Gene: BRCA2 (BRCA2 DNA repair associated; plus strand). Cytogenetic location: 13q13.1.
Variant type: single nucleotide variant.
Coding change: c.1737A>G on transcript NM_000059.4 (MANE Select); coding-DNA position 1737, A replaced by G.
Protein change: p.Leu579=; no amino-acid change (leucine 579 retained).
Molecular consequence: synonymous variant. On other transcripts: non-coding transcript variant (1), intron variant (1).
Genome position (GRCh38, 1-based): chr13:32,333,215, A>G. VCF-style: chr13-32333215-A-G. GRCh37 (hg19) VCF-style: chr13-32907352-A-G.
Other names: c.1737A>G, p.Leu579= (NM_001406719.1, NM_001406720.1, NM_001406721.1); c.424+2185A>G (NM_001406722.1).
Identifiers: ClinVar variation 1779099 (VCV001779099.3), dbSNP rs2137474377, ClinGen allele CA483436708.